The following is an entry in ClinVar:

ClinVar aggregate classification (germline): Likely pathogenic (1 of 4 stars; one submission).

Conditions:
Telangiectasia, hereditary hemorrhagic, type 2 (HHT2). Also called: ACVRL1-Related Hereditary Hemorrhagic Telangiectasia; Telangiectasia, hereditary hemorrhagic, type II. Identifiers: Orphanet 774, MedGen C1838163, MONDO:0010880, OMIM 600376. Disease mechanism: loss of function.

Submission:

Labcorp Genetics (formerly Invitae), Labcorp
Classification: Likely pathogenic for Telangiectasia, hereditary hemorrhagic, type 2. Last evaluated: 2023-10-15. Review status: criteria provided, single submitter. Criteria: Invitae Variant Classification Sherloc (09022015). Collection method: clinical testing. Allele origin: germline.
Comment: This sequence change replaces aspartic acid, which is acidic and polar, with tyrosine, which is neutral and polar, at codon 176 of the ACVRL1 protein (p.Asp176Tyr). This variant is not present in population databases (gnomAD no frequency). This missense change has been observed in individual(s) with hereditary hemorrhagic telangiectasia (PMID: 16525724; Invitae). An algorithm developed to predict the effect of missense changes on protein structure and function (PolyPhen-2) suggests that this variant is likely to be disruptive. Algorithms developed to predict the effect of sequence changes on RNA splicing suggest that this variant may disrupt the consensus splice site. In summary, the currently available evidence indicates that the variant is pathogenic, but additional data are needed to prove that conclusively. Therefore, this variant has been classified as Likely Pathogenic.

Literature cited by the submitters: PubMed 16525724.

NM_000020.3(ACVRL1):c.526G>T (p.Asp176Tyr)

Gene: ACVRL1 (activin A receptor like type 1; plus strand). Cytogenetic location: 12q13.13.
Variant type: single nucleotide variant.
Coding change: c.526G>T on transcript NM_000020.3 (MANE Select); coding-DNA position 526, G replaced by T.
Protein change: p.Asp176Tyr; replaces aspartic acid 176 with tyrosine.
Molecular consequence: missense variant. On other transcripts: intron variant (6).
Genome position (GRCh38, 1-based): chr12:51,913,974, G>T. VCF-style: chr12-51913974-G-T. GRCh37 (hg19) VCF-style: chr12-52307758-G-T.
Other names: c.526G>T, p.Asp176Tyr (NM_001077401.2, NM_001406487.1, NM_001406488.1 and 1 more transcripts); c.314-465G>T (NM_001406491.1, NM_001406490.1, NM_001406492.1 and 2 more transcripts); c.62-465G>T (NM_001406495.1); short protein forms D176Y.
Identifiers: ClinVar variation 2735867 (VCV002735867.3), dbSNP rs2540161495, ClinGen allele CA384899425.
Genomic context (GRCh38, chr12:51,913,974, plus strand): 5'-ATAGAGAAGGGGGCTGTGGCTGGTTGTGGCAGCCTCTCAGTGGCCTCTCCGTACCCCCAG[G>T]ACCTCCTGGACAGTGACTGCACCACAGGGAGTGGCTCAGGGCTCCCCTTCCTGGTGCAGA-3'
Protein context (NP_000011.2, residues 166-186): ASEQGDSMLG[Asp176Tyr]LLDSDCTTGS